The following is an entry in ClinVar:

ClinVar aggregate classification (germline): Pathogenic (1 of 4 stars; one submission).

Submission:

Labcorp Genetics (formerly Invitae), Labcorp
Classification: Pathogenic. Last evaluated: 2020-04-01. Review status: criteria provided, single submitter. Criteria: Invitae Variant Classification Sherloc (09022015). Collection method: clinical testing. Allele origin: germline.
Comment: This variant is a gross deletion of the genomic region encompassing exons 2-6 of the UBE2T gene, which includes the initiator codon. The 5' end of this event is unknown as it extends beyond the assayed region for this gene and therefore may encompass additional genes. The 3' boundary is likely confined to intron 6 of the UBE2T gene. This is expected to result in an absent or disrupted protein product. A similar deletion of exons 2-6 has been reported in an individual affected with Fanconi anemia (PMID: 26085575, 26119737). Loss-of-function variants in UBE2T are known to be pathogenic (PMID: 26046368, 26119737). For these reasons, this variant has been classified as Pathogenic.

Literature cited by the submitters: PubMed 26085575; PubMed 26119737; PubMed 26046368.

NC_000001.10:g.(?_202302138)_(202304882_?)del

Gene: UBE2T (ubiquitin conjugating enzyme E2 T; minus strand). Cytogenetic location: 1q32.1.
Variant type: Deletion.
Identifiers: ClinVar variation 1069857 (VCV001069857.1).